The following is an entry in ClinVar:

ClinVar aggregate classification (germline): Uncertain significance (1 of 4 stars; one submission).

Allele frequency attached by ClinVar (database versions not stated): gnomAD exomes below 0.00001; TOPMed below 0.00001.
gnomAD v4.1: 1 of 1,606,572 alleles (0.000062%); highest among the groups gnomAD compares: Admixed American, 0.0017%; no homozygotes.

Submission:

GeneDx
Classification: Uncertain significance. Last evaluated: 2023-02-16. Review status: criteria provided, single submitter. Criteria: GeneDx Variant Classification Process June 2021. Collection method: clinical testing. Allele origin: germline. Affected: yes.
Comment: Not observed at significant frequency in large population cohorts (gnomAD); In silico analysis supports a deleterious effect on splicing; Has not been previously published as pathogenic or benign to our knowledge

NM_052867.4(NALCN):c.3163-3T>A

Gene: NALCN (sodium leak channel, non-selective; minus strand). Cytogenetic location: 13q32.3.
Variant type: single nucleotide variant.
Coding change: c.3163-3T>A on transcript NM_052867.4 (MANE Select); 3 bases into the intron before coding-DNA position 3163, T replaced by A.
Molecular consequence: intron variant.
Genome position (GRCh38, 1-based): chr13:101,095,683, A>T on the plus strand (T>A on the coding strand, the complement: NALCN is on the minus strand). VCF-style: chr13-101095683-A-T. GRCh37 (hg19) VCF-style: chr13-101748034-A-T.
Other names: c.3076-3T>A (NM_001350751.2, NM_001350750.2); c.3163-3T>A (NM_001350749.2); c.3250-3T>A (NM_001350748.2).
Identifiers: ClinVar variation 2576950 (VCV002576950.1), dbSNP rs561380811, ClinGen allele CA2114394837.